The following is an entry in ClinVar:

NM_012254.3(SLC27A5):c.264G>A (p.Pro88=)

Gene: SLC27A5 (solute carrier family 27 member 5; minus strand). Cytogenetic location: 19q13.43.
Variant type: single nucleotide variant.
Coding change: c.264G>A on transcript NM_012254.3 (MANE Select); coding-DNA position 264, G replaced by A.
Protein change: p.Pro88=; no amino-acid change (proline 88 retained).
Molecular consequence: synonymous variant.
Genome position (GRCh38, 1-based): chr19:58,511,692, C>T on the plus strand (G>A on the coding strand, the complement: SLC27A5 is on the minus strand). VCF-style: chr19-58511692-C-T. GRCh37 (hg19) VCF-style: chr19-59023059-C-T.
Other names: c.264G>A, p.Pro88= (NM_001321196.2); c.264G>A (NM_012254.2).
Identifiers: ClinVar variation 499064 (VCV000499064.7), dbSNP rs370326212, ClinGen allele CA9718316.

ClinVar aggregate classification (germline): Conflicting classifications of pathogenicity. Review status: criteria provided, conflicting classifications (1 of 4 stars). 3 submissions from 3 submitters: Uncertain significance (1); Likely benign (2). Last evaluated 2025-04-28.

Conditions:
SLC27A5-related disorder. Also called: SLC27A5-related condition.

Allele frequency attached by ClinVar (database versions not stated): gnomAD 0.00007 and 0.00009; gnomAD exomes 0.00007; ESP Exome Variant Server 0.00008; TOPMed 0.00008; ExAC 0.00017.
gnomAD v4.1: 59 of 1,568,732 alleles (0.0038%); highest among the groups gnomAD compares: South Asian, 0.023%; 1 homozygote.

Submissions (3):

PreventionGenetics, part of Exact Sciences
Classification: Likely benign for SLC27A5-related condition. Last evaluated: 2025-04-28. Review status: criteria provided, single submitter. Criteria: ACMG Guidelines, 2015. Collection method: clinical testing. Allele origin: germline.
Comment: This variant is classified as likely benign based on ACMG/AMP sequence variant interpretation guidelines (Richards et al. 2015 PMID: 25741868, with internal and published modifications).

Labcorp Genetics (formerly Invitae), Labcorp
Classification: Likely benign. Last evaluated: 2025-04-17. Review status: criteria provided, single submitter. Criteria: Invitae Variant Classification Sherloc (09022015). Collection method: clinical testing. Allele origin: germline.

Eurofins Ntd Llc (ga)
Classification: Uncertain significance. Last evaluated: 2016-12-05. Review status: criteria provided, single submitter. Criteria: EGL Classification Definitions 2015. Collection method: clinical testing. Allele origin: germline. Observed: 1 variant allele, 1 heterozygote.